The following is an entry in ClinVar:

ClinVar aggregate classification (germline): Conflicting classifications of pathogenicity. Review status: criteria provided, conflicting classifications (1 of 4 stars). 4 submissions from 4 submitters: Uncertain significance (1); Likely benign (3). Last evaluated 2026-02-01.

Conditions:
Inborn genetic diseases. Identifiers: MedGen C0950123, MeSH D030342.

Allele frequency attached by ClinVar (database versions not stated): gnomAD exomes 0.00002 and 0.00004; gnomAD 0.00009.
gnomAD v4.1: 62 of 1,504,458 alleles (0.0041%); highest among the groups gnomAD compares: African/African-American, 0.0077%; no homozygotes.

Submissions (4):

CeGaT Center for Human Genetics Tuebingen
Classification: Likely benign. Last evaluated: 2026-02-01. Review status: criteria provided, single submitter. Criteria: CeGaT Center For Human Genetics Tuebingen Variant Classification Criteria Version 2. Collection method: clinical testing. Allele origin: germline. Affected: yes. Observed: 8 variant alleles.
Comment: MAGEL2: BP4, BP7

Ambry Genetics
Classification: Likely benign for Inborn genetic diseases. Last evaluated: 2025-09-28. Review status: criteria provided, single submitter. Criteria: Ambry Variant Classification Scheme 2023. Collection method: clinical testing. Allele origin: germline.

Labcorp Genetics (formerly Invitae), Labcorp
Classification: Likely benign. Last evaluated: 2024-09-09. Review status: criteria provided, single submitter. Criteria: Invitae Variant Classification Sherloc (09022015). Collection method: clinical testing. Allele origin: germline.

Eurofins Ntd Llc (ga)
Classification: Uncertain significance. Last evaluated: 2015-01-29. Review status: criteria provided, single submitter. Criteria: EGL Classification Definitions 2015. Collection method: clinical testing. Allele origin: germline. Observed: 2 variant alleles, 2 heterozygotes.

NM_019066.5(MAGEL2):c.474A>G (p.Pro158=)

Gene: MAGEL2 (MAGE family member L2; minus strand). Cytogenetic location: 15q11.2.
Variant type: single nucleotide variant.
Coding change: c.474A>G on transcript NM_019066.5 (MANE Select); coding-DNA position 474, A replaced by G.
Protein change: p.Pro158=; no amino-acid change (proline 158 retained).
Molecular consequence: synonymous variant.
Genome position (GRCh38, 1-based): chr15:23,647,269, T>C on the plus strand (A>G on the coding strand, the complement: MAGEL2 is on the minus strand). VCF-style: chr15-23647269-T-C. GRCh37 (hg19) VCF-style: chr15-23892416-T-C.
Other names: c.474A>G (NM_019066.4).
Identifiers: ClinVar variation 193410 (VCV000193410.42), dbSNP rs750481560, ClinGen allele CA238931.